The following is an entry in ClinVar:

ClinVar aggregate classification (germline): Uncertain significance. Review status: criteria provided, multiple submitters, no conflicts (2 of 4 stars). 2 submissions from 2 submitters: Uncertain significance (2). Last evaluated 2024-07-01.

Allele frequency attached by ClinVar (database versions not stated): gnomAD exomes below 0.00001; gnomAD 0.00001.
gnomAD v4.1: 5 of 1,613,962 alleles (0.00031%); highest among the groups gnomAD compares: Middle Eastern, 0.016%; no homozygotes.

Submissions (2):

Labcorp Genetics (formerly Invitae), Labcorp
Classification: Uncertain significance. Last evaluated: 2024-07-01. Review status: criteria provided, single submitter. Criteria: Invitae Variant Classification Sherloc (09022015). Collection method: clinical testing. Allele origin: germline.
Comment: This sequence change replaces glutamic acid, which is acidic and polar, with glycine, which is neutral and non-polar, at codon 601 of the NBAS protein (p.Glu601Gly). This variant is not present in population databases (gnomAD no frequency). This variant has not been reported in the literature in individuals affected with NBAS-related conditions. ClinVar contains an entry for this variant (Variation ID: 1506124). Advanced modeling of protein sequence and biophysical properties (such as structural, functional, and spatial information, amino acid conservation, physicochemical variation, residue mobility, and thermodynamic stability) performed at Invitae indicates that this missense variant is not expected to disrupt NBAS protein function with a negative predictive value of 95%. In summary, the available evidence is currently insufficient to determine the role of this variant in disease. Therefore, it has been classified as a Variant of Uncertain Significance.

Blueprint Genetics
Classification: Uncertain significance. Last evaluated: 2021-06-17. Review status: criteria provided, single submitter. Criteria: ACMG Guidelines, 2015. Collection method: clinical testing. Allele origin: germline.

NM_015909.4(NBAS):c.1802A>G (p.Glu601Gly)

Gene: NBAS (NBAS subunit of NRZ tethering complex; minus strand). Cytogenetic location: 2p24.3.
Variant type: single nucleotide variant.
Coding change: c.1802A>G on transcript NM_015909.4 (MANE Select); coding-DNA position 1802, A replaced by G.
Protein change: p.Glu601Gly; replaces glutamic acid 601 with glycine.
Molecular consequence: missense variant. On other transcripts: non-coding transcript variant (1).
Genome position (GRCh38, 1-based): chr2:15,468,457, T>C on the plus strand (A>G on the coding strand, the complement: NBAS is on the minus strand). VCF-style: chr2-15468457-T-C. GRCh37 (hg19) VCF-style: chr2-15608581-T-C.
Other names: short protein forms E601G.
Identifiers: ClinVar variation 1506124 (VCV001506124.9), dbSNP rs1176578293, ClinGen allele CA345884506.